The following is an entry in ClinVar:

ClinVar aggregate classification (germline): Likely benign (0 of 4 stars; one submission).

Conditions:
POLG-related disorder. Also called: POLG-Related Spectrum Disorders; POLG-related condition; POLG-Related Disorders. Identifiers: MedGen C4763519.

gnomAD v4.1: 4 of 1,597,342 alleles (0.00025%); highest among the groups gnomAD compares: Non-Finnish European, 0.00034%; no homozygotes.

Submission:

PreventionGenetics, part of Exact Sciences
Classification: Likely benign for POLG-related condition. Last evaluated: 2021-03-30. Review status: no assertion criteria provided. Collection method: clinical testing. Allele origin: germline.
Comment: This variant is classified as likely benign based on ACMG/AMP sequence variant interpretation guidelines (Richards et al. 2015 PMID: 25741868, with internal and published modifications).

NM_002693.3(POLG):c.2775G>A (p.Lys925=)

Gene: POLG (DNA polymerase gamma, catalytic subunit; minus strand). Cytogenetic location: 15q26.1.
Variant type: single nucleotide variant.
Coding change: c.2775G>A on transcript NM_002693.3 (MANE Select); coding-DNA position 2775, G replaced by A.
Protein change: p.Lys925=; no amino-acid change (lysine 925 retained).
Molecular consequence: synonymous variant.
Genome position (GRCh38, 1-based): chr15:89,320,972, C>T on the plus strand (G>A on the coding strand, the complement: POLG is on the minus strand). VCF-style: chr15-89320972-C-T. GRCh37 (hg19) VCF-style: chr15-89864203-C-T.
Other names: c.2775G>A, p.Lys925= (NM_001126131.2).
Identifiers: ClinVar variation 3031336 (VCV003031336.2), dbSNP rs2055386832, ClinGen allele CA492289205.